The following is an entry in ClinVar:

NM_001101426.4(CRPPA):c.*1849G>A

Gene: CRPPA (CDP-L-ribitol pyrophosphorylase A; minus strand). Cytogenetic location: 7p21.2.
Variant type: single nucleotide variant.
Coding change: c.*1849G>A on transcript NM_001101426.4 (MANE Select); 1849 bases downstream of the stop codon, G replaced by A.
Molecular consequence: 3 prime UTR variant. On other transcripts: non-coding transcript variant (1).
Genome position (GRCh38, 1-based): chr7:16,089,846, C>T on the plus strand (G>A on the coding strand, the complement: CRPPA is on the minus strand). VCF-style: chr7-16089846-C-T. GRCh37 (hg19) VCF-style: chr7-16129471-C-T.
Other names: c.*1849G>A (NM_001101417.4, NM_001368197.1).
Identifiers: ClinVar variation 359553 (VCV000359553.5), dbSNP rs60843615, ClinGen allele CA10628749.

ClinVar aggregate classification (germline): Benign (1 of 4 stars; one submission).

Conditions:
Congenital Muscular Dystrophy, alpha-dystroglycan related.

Allele frequency attached by ClinVar (database versions not stated): gnomAD exomes 0.00273; gnomAD 0.02132 and 0.02271; TOPMed 0.02350; 1000 Genomes Project 0.02656; 1000 Genomes Project 30x 0.02764.
gnomAD v4.1: 3,248 of 164,654 alleles (2%); highest among the groups gnomAD compares: African/African-American, 7.2%; 123 homozygotes.

Submission:

Illumina Laboratory Services, Illumina
Classification: Benign for Congenital Muscular Dystrophy, alpha-dystroglycan related. Last evaluated: 2018-01-12. Review status: criteria provided, single submitter. Criteria: ICSL Variant Classification Criteria 13 December 2019. Collection method: clinical testing. Allele origin: germline.
Comment: This variant was observed in the ICSL laboratory as part of a predisposition screen in an ostensibly healthy population. It had not been previously curated by ICSL or reported in the Human Gene Mutation Database (HGMD: prior to June 1st, 2018), and was therefore a candidate for classification through an automated scoring system. Utilizing variant allele frequency, disease prevalence and penetrance estimates, and inheritance mode, an automated score was calculated to assess if this variant is too frequent to cause the disease. Based on the score and internal cut-off values, a variant classified as benign is not then subjected to further curation. The score for this variant resulted in a classification of benign for this disease.